The following is an entry in ClinVar:

NM_021098.3(CACNA1H):c.2886G>C (p.Trp962Cys)

Gene: CACNA1H (calcium voltage-gated channel subunit alpha1 H; plus strand). Cytogenetic location: 16p13.3.
Variant type: single nucleotide variant.
Coding change: c.2886G>C on transcript NM_021098.3 (MANE Select); coding-DNA position 2886, G replaced by C.
Protein change: p.Trp962Cys; replaces tryptophan 962 with cysteine.
Molecular consequence: missense variant.
Genome position (GRCh38, 1-based): chr16:1,207,097, G>C. VCF-style: chr16-1207097-G-C. GRCh37 (hg19) VCF-style: chr16-1257097-G-C.
Other names: c.2886G>C, p.Trp962Cys (NM_001005407.2); short protein forms W962C.
Identifiers: ClinVar variation 2925588 (VCV002925588.3), dbSNP rs1555514256, ClinGen allele CA394170168.
Genomic context (GRCh38, chr16:1,207,097, plus strand): 5'-CCTGAAGACAGACACCGGAGACACCGTGCCTGACAGGAAGAACTTCGACTCCCTGCTGTG[G>C]GCCATCGTCACCGTGTTCCAGGTAGTGCCCGGGGTCCCCGCAGCAGTGTTGGGTGCTGAG-3'
Protein context (NP_066921.2, residues 952-972): PDRKNFDSLL[Trp962Cys]AIVTVFQILT

ClinVar aggregate classification (germline): Uncertain significance (1 of 4 stars; one submission).

Conditions:
Idiopathic generalized epilepsy. Also called: Generalised epilepsy; EIG. Identifiers: MedGen C0270850, MONDO:0005579, OMIM 600669.
Hyperaldosteronism, familial, type IV (HALD4). Also called: FH IV; ALDOSTERONISM, PRIMARY, AND HYPERTENSION. Identifiers: Orphanet 642671, MedGen C4310756, MONDO:0014875, OMIM 617027.

Submission:

Labcorp Genetics (formerly Invitae), Labcorp
Classification: Uncertain significance for Idiopathic generalized epilepsy; Hyperaldosteronism, familial, type IV. Last evaluated: 2023-06-11. Review status: criteria provided, single submitter. Criteria: Invitae Variant Classification Sherloc (09022015). Collection method: clinical testing. Allele origin: germline.
Comment: Advanced modeling of protein sequence and biophysical properties (such as structural, functional, and spatial information, amino acid conservation, physicochemical variation, residue mobility, and thermodynamic stability) performed at Invitae indicates that this missense variant is expected to disrupt CACNA1H protein function. In summary, the available evidence is currently insufficient to determine the role of this variant in disease. Therefore, it has been classified as a Variant of Uncertain Significance. Experimental studies have shown that this missense change affects CACNA1H function (PMID: 16754686). This missense change has been observed in individual(s) with autism spectrum disorder (PMID: 16754686). This variant is not present in population databases (gnomAD no frequency). This sequence change replaces tryptophan, which is neutral and slightly polar, with cysteine, which is neutral and slightly polar, at codon 962 of the CACNA1H protein (p.Trp962Cys).

Literature cited by the submitters: PubMed 16754686.